The following is an entry in ClinVar:

NM_015557.3(CHD5):c.2360G>A (p.Arg787His)

Gene: CHD5 (chromodomain helicase DNA binding protein 5; minus strand). Cytogenetic location: 1p36.31.
Variant type: single nucleotide variant.
Coding change: c.2360G>A on transcript NM_015557.3 (MANE Select); coding-DNA position 2360, G replaced by A.
Protein change: p.Arg787His; replaces arginine 787 with histidine.
Molecular consequence: missense variant.
Genome position (GRCh38, 1-based): chr1:6,142,204, C>T on the plus strand (G>A on the coding strand, the complement: CHD5 is on the minus strand). VCF-style: chr1-6142204-C-T. GRCh37 (hg19) VCF-style: chr1-6202264-C-T.
Other names: short protein forms R787H.
Identifiers: ClinVar variation 5034506 (VCV005034506.1).

ClinVar aggregate classification (germline): Uncertain significance (1 of 4 stars; one submission).

Conditions:
Inborn genetic diseases. Identifiers: MedGen C0950123, MeSH D030342.

gnomAD v4.1: 1 of 1,614,214 alleles (0.000062%); highest among the groups gnomAD compares: Non-Finnish European, 0.000085%; no homozygotes.

Submission:

Ambry Genetics
Classification: Uncertain significance for Inborn genetic diseases. Last evaluated: 2026-07-09. Review status: criteria provided, single submitter. Criteria: Ambry Variant Classification Scheme 2023. Collection method: clinical testing. Allele origin: germline.
Comment: The c.2360G>A (p.R787H) alteration is located in exon 15 (coding exon 15) of the CHD5 gene. This alteration results from a G to A substitution at nucleotide position 2360, causing the arginine (R) at amino acid position 787 to be replaced by a histidine (H). This variant was not reported in population-based cohorts in the Genome Aggregation Database (gnomAD). This variant was determined to be de novo in at least one individual with nonspecific neurodevelopmental features and/or multiple congenital anomalies (Kaplanis, 2020). This amino acid position is highly conserved in available vertebrate species. This missense variant is located in a region that has a low rate of benign missense variation (Lek, 2016; Firth, 2009). This alteration is predicted to be deleterious by in silico analysis. Based on insufficient or conflicting evidence, the clinical significance of this alteration remains unclear.

Literature cited by the submitters: PubMed 33057194.